The following is an entry in ClinVar:

NM_005356.5(LCK):c.482-1G>A

Gene: LCK (LCK proto-oncogene, Src family tyrosine kinase; plus strand). Cytogenetic location: 1p35.2.
Variant type: single nucleotide variant.
Coding change: c.482-1G>A on transcript NM_005356.5 (MANE Select); the canonical splice acceptor site of the intron before coding-DNA position 482, G replaced by A.
Molecular consequence: splice acceptor variant.
Genome position (GRCh38, 1-based): chr1:32,275,913, G>A. VCF-style: chr1-32275913-G-A. GRCh37 (hg19) VCF-style: chr1-32741514-G-A.
Other names: c.656-1G>A (NM_001439146.1); c.482-1G>A (NM_001330468.2, NM_001042771.3).
Identifiers: ClinVar variation 4723903 (VCV004723903.1).

ClinVar aggregate classification (germline): Likely pathogenic (1 of 4 stars; one submission).

Conditions:
Severe combined immunodeficiency due to LCK deficiency. Also called: Immunodeficiency 22. Identifiers: Orphanet 280142, MedGen C4014233, MONDO:0014334, OMIM 615758.

Submission:

Labcorp Genetics (formerly Invitae), Labcorp
Classification: Likely pathogenic for Severe combined immunodeficiency due to LCK deficiency. Last evaluated: 2025-07-23. Review status: criteria provided, single submitter. Criteria: Invitae Variant Classification Sherloc (09022015). Collection method: clinical testing. Allele origin: germline.
Comment: This sequence change affects an acceptor splice site in intron 6 of the LCK gene. It is expected to disrupt RNA splicing. Variants that disrupt the donor or acceptor splice site typically lead to a loss of protein function (PMID: 16199547), and loss-of-function variants in LCK are known to be pathogenic (PMID: 22985903, 27087313). This variant is not present in population databases (gnomAD no frequency). This variant has not been reported in the literature in individuals affected with LCK-related conditions. Algorithms developed to predict the effect of sequence changes on RNA splicing suggest that this variant may disrupt the consensus splice site. In summary, the currently available evidence indicates that the variant is pathogenic, but additional data are needed to prove that conclusively. Therefore, this variant has been classified as Likely Pathogenic.

Literature cited by the submitters: PubMed 16199547; PubMed 22985903; PubMed 27087313.